The following is an entry in ClinVar:

ClinVar aggregate classification (germline): Pathogenic/Likely pathogenic. Review status: criteria provided, multiple submitters, no conflicts (2 of 4 stars). 10 submissions from 10 submitters: Pathogenic (4); Likely pathogenic (3). 3 of the submissions do not count toward it. Last evaluated 2026-01-07.

Conditions:
Cardiovascular phenotype. Identifiers: MedGen CN230736.
Dilated cardiomyopathy 1G (CMD1G). Identifiers: Orphanet 154, MedGen C1858763, MONDO:0011400, OMIM 604145.
Autosomal recessive limb-girdle muscular dystrophy type 2J (LGMDR10). Also called: MUSCULAR DYSTROPHY, LIMB-GIRDLE, AUTOSOMAL RECESSIVE 10; Limb-girdle muscular dystrophy, type 2J. Identifiers: Orphanet 140922, MedGen C1837342, MONDO:0012127, OMIM 608807.

Allele frequency attached by ClinVar (database versions not stated): gnomAD exomes below 0.00001; TOPMed below 0.00001.
gnomAD v4.1: 5 of 1,612,156 alleles (0.00031%); highest among the groups gnomAD compares: Non-Finnish European, 0.00042%; no homozygotes.

Submissions (10):

Labcorp Genetics (formerly Invitae), Labcorp
Classification: Pathogenic for Dilated cardiomyopathy 1G; Autosomal recessive limb-girdle muscular dystrophy type 2J. Last evaluated: 2026-01-07. Review status: criteria provided, single submitter. Criteria: Invitae Variant Classification Sherloc (09022015). Collection method: clinical testing. Allele origin: germline.
Comment: This sequence change creates a premature translational stop signal (p.Arg33609*) in the TTN gene. While this is not anticipated to result in nonsense mediated decay, it is expected to create a truncated TTN protein. The frequency data for this variant in the population databases is considered unreliable, as metrics indicate poor data quality at this position in the gnomAD database. This premature translational stop signal has been observed in individuals with clinical features of autosomal recessive TTN-related conditions and/or dilated cardiomyopathy (PMID: 27532257, 32880476, 32969603, 33106378; internal data). ClinVar contains an entry for this variant (Variation ID: 373074). This variant is located in the M band of TTN (PMID: 25589632). Truncating variants in this region have been previously reported in individuals affected with autosomal dominant or autosomal recessive myopathy and muscular dystrophy (PMID: 18948003, 23975875, 24395473). Truncating variants in this region have also been identified in individuals affected with autosomal dominant dilated cardiomyopathy and/or cardio-related conditions (PMID: 27869827, 32964742, internal data). For these reasons, this variant has been classified as Pathogenic.

Ambry Genetics
Classification: Likely pathogenic for Cardiovascular phenotype. Last evaluated: 2025-10-22. Review status: criteria provided, single submitter. Criteria: Ambry Variant Classification Scheme 2023. Collection method: clinical testing. Allele origin: germline.
Comment: The p.R24544* variant (also known as c.73630C>T), located in coding exon 185 of the TTN gene, results from a C to T substitution at nucleotide position 73630. This changes the amino acid from an arginine to a stop codon within coding exon 185. This exon is located in the M-band of the N2-B isoform of the titin protein and is constitutively expressed in TTN transcripts (percent spliced in or PSI 100%). This variant was reported in individual(s) with features consistent with dilated cardiomyopathy (DCM) (Walsh R et al. Genet. Med. 2017 02;19:192-203; Ambry internal data). This variant is considered to be rare based on population cohorts in the Genome Aggregation Database (gnomAD). This variant is expected to result in loss of function by premature protein truncation or nonsense-mediated mRNA decay. While truncating variants in TTN are present in 1-3% of the general population, truncating variants in the M-band have been reported in association with autosomal recessive titinopathies, primarily presenting with skeletal myopathy phenotypes (Ceyhan-Birsoy O et al. Neurology. 2013 Oct 1;81(14):1205-14; De Cid R et al. Neurology. 2015;85(24):2126-35). Truncating variants in coding exon 185 of the M-band of the N2-B isoform have also been specifically associated with autosomal dominant dilated cardiomyopathy (Vatta M et al. Circ GenomPrecis Med. 2025 Feb:e004982). More generally, TTN truncating variants encoded in constitutive exons (PSI >90%) have been found to be significantly associated with dilated cardiomyopathy (DCM) regardless of their position, although truncating variants in the A-band are the most common cause of DCM (Herman DS et al. N. Engl. J. Med., 2012 Feb;366:619-28; Roberts AM et al. Sci Transl Med, 2015 Jan;7:270ra6; Schafer S et al. Nat. Genet., 2017 01;49:46-53; Akhtar MM et al. Circ Heart Fail, 2020 Oct;13:e006832; Massier M et al. Clin Genet, 2025 Jan). Based on the majority of available evidence to date, this variant is likely to be pathogenic.

GeneDx
Classification: Pathogenic. Last evaluated: 2025-05-21. Review status: criteria provided, single submitter. Criteria: GeneDx Variant Classification Process June 2021. Collection method: clinical testing. Allele origin: germline. Affected: yes.
Comment: Identified in patients with dilated cardiomyopathy in the published literature (PMID: 32969603, 32880476); Nonsense variant predicted to result in protein truncation or nonsense mediated decay in a gene for which loss of function is a known mechanism of disease; Not observed at significant frequency in large population cohorts (gnomAD); Located in the M-band, a region of TTN for which truncating variants are significantly associated with autosomal recessive skeletal myopathies and also with autosomal dominant cardiomyopathy (PMID: 17444505, 32778822, 36637017); This variant is associated with the following publications: (PMID: 33106378, 23975875, 18948003, 27532257, 25589632, 34135346, 32880476, 24395473, 27869827, 38438525, 32964742, 39063061, 36264615, 37652022, 32815318, 17444505, 32778822, 36637017, 32969603)

Molecular Diagnostic Laboratory for Inherited Cardiovascular Disease, Montreal Heart Institute
Classification: Pathogenic for Cardiovascular phenotype. Last evaluated: 2024-10-17. Review status: criteria provided, single submitter. Criteria: ACMG Guidelines, 2015. Collection method: clinical testing. Allele origin: germline. Affected: yes.
Comment: PVS1;PM2;PS4_mod

Revvity Omics, Revvity
Classification: Likely pathogenic. Last evaluated: 2024-09-05. Review status: criteria provided, single submitter. Criteria: ACMG Guidelines, 2015. Collection method: clinical testing. Allele origin: germline.

Clinical Genetics Service, Universitary Hospital 12 de Octubre
Classification: Pathogenic for Dilated cardiomyopathy 1G. Review status: criteria provided, single submitter. Criteria: ACMG Guidelines, 2015. Collection method: clinical testing. Allele origin: germline. Affected: yes.

Juno Genomics, Hangzhou Juno Genomics, Inc
Classification: Likely pathogenic for Dilated cardiomyopathy 1G. Review status: criteria provided, single submitter. Criteria: ACMG Guidelines, 2015. Collection method: clinical testing. Allele origin: germline.
Comment: Absent from controls (or at extremely low frequency if recessive) in Genome Aggregation Database.;Null variant in a gene where loss of function (LOF) is a known mechanism of disease.;The prevalence of the variant in affected individuals is significantly increased compared to the prevalence in controls.

Genome Diagnostics Laboratory, University Medical Center Utrecht
Classification: Likely pathogenic. Review status: no assertion criteria provided. Collection method: clinical testing. Allele origin: germline. Affected: yes. Study: VKGL Data-share Consensus. Not counted in ClinVar's aggregate classification.

Joint Genome Diagnostic Labs from Nijmegen and Maastricht, Radboudumc and MUMC+
Classification: Likely pathogenic. Review status: no assertion criteria provided. Collection method: clinical testing. Allele origin: germline. Affected: yes. Study: VKGL Data-share Consensus. Not counted in ClinVar's aggregate classification.

Laboratory of Diagnostic Genome Analysis, Leiden University Medical Center (LUMC)
Classification: Pathogenic. Review status: no assertion criteria provided. Collection method: clinical testing. Allele origin: germline. Affected: yes. Study: VKGL Data-share Consensus. Not counted in ClinVar's aggregate classification.

Literature cited by the submitters: PubMed 27532257 (cited by Labcorp Genetics (formerly Invitae), Labcorp and Ambry Genetics); PubMed 32880476 (cited by Labcorp Genetics (formerly Invitae), Labcorp); PubMed 32969603 (cited by Labcorp Genetics (formerly Invitae), Labcorp); PubMed 33106378 (cited by Labcorp Genetics (formerly Invitae), Labcorp); PubMed 25589632 (cited by Labcorp Genetics (formerly Invitae), Labcorp); PubMed 18948003 (cited by Labcorp Genetics (formerly Invitae), Labcorp); PubMed 23975875 (cited by Labcorp Genetics (formerly Invitae), Labcorp); PubMed 24395473 (cited by Labcorp Genetics (formerly Invitae), Labcorp); PubMed 27869827 (cited by Labcorp Genetics (formerly Invitae), Labcorp); PubMed 32964742 (cited by Labcorp Genetics (formerly Invitae), Labcorp).

NM_001267550.2(TTN):c.100825C>T (p.Arg33609Ter)

Genes: TTN (titin; minus strand), TTN-AS1 (TTN antisense RNA 1; plus strand). Cytogenetic location: 2q31.2.
Variant type: single nucleotide variant.
Coding change: c.100825C>T on transcript NM_001267550.2 (MANE Select); coding-DNA position 100825, C replaced by T.
Protein change: p.Arg33609Ter; replaces arginine 33609 with a stop codon.
Molecular consequence: nonsense. On other transcripts: non-coding transcript variant (1).
Genome position (GRCh38, 1-based): chr2:178,535,790, G>A on the plus strand (C>T on the coding strand, the complement: TTN is on the minus strand). VCF-style: chr2-178535790-G-A. GRCh37 (hg19) VCF-style: chr2-179400517-G-A.
Other names: c.95902C>T, p.Arg31968Ter (NM_001256850.1); c.73630C>T, p.Arg24544Ter (NM_003319.4); c.93121C>T, p.Arg31041Ter (NM_133378.4); c.74005C>T, p.Arg24669Ter (NM_133432.3); c.74206C>T, p.Arg24736Ter (NM_133437.4); c.100825C>T (NM_001267550.1); short protein forms R31968*, R33609*, R24669*, R31041*, R24736*, R24544*.
Identifiers: ClinVar variation 373074 (VCV000373074.29), dbSNP rs1057518195, ClinGen allele CA16042374.
Genomic context (GRCh38, chr2:178,535,790, plus strand): 5'-AGGTGATCACAGGATCTGGTTTGCCACTGAAAGGAATCTTGATGCTGACCACTTCACCTC[G>A]GAGAGCATGAACTGCTCCCATGCCTTCAAGAGTTTTAGGTAAGTGTATCTTAGCTGGAAC-3'